The following is an entry in ClinVar:

ClinVar aggregate classification (germline): Uncertain significance (1 of 4 stars; one submission).

Conditions:
Retinitis pigmentosa 92. Identifiers: MedGen C5562022, MONDO:0030619, OMIM 619614.

Submission:

Juno Genomics, Hangzhou Juno Genomics, Inc
Classification: Uncertain significance for Retinitis pigmentosa 92. Review status: criteria provided, single submitter. Criteria: ACMG Guidelines, 2015. Collection method: clinical testing. Allele origin: germline.
Comment: Absent from controls (or at extremely low frequency if recessive) in Genome Aggregation Database.;Multiple lines of computational evidence support a deleterious effect on the gene or gene product.

NM_025130.4(HKDC1):c.1588G>A (p.Ala530Thr)

Gene: HKDC1 (hexokinase domain containing 1; plus strand). Cytogenetic location: 10q22.1.
Variant type: single nucleotide variant.
Coding change: c.1588G>A on transcript NM_025130.4 (MANE Select); coding-DNA position 1588, G replaced by A.
Protein change: p.Ala530Thr; replaces alanine 530 with threonine.
Molecular consequence: missense variant.
Genome position (GRCh38, 1-based): chr10:69,250,307, G>A. VCF-style: chr10-69250307-G-A. GRCh37 (hg19) VCF-style: chr10-71010063-G-A.
Other names: short protein forms A530T.
Identifiers: ClinVar variation 5007722 (VCV005007722.2).
Genomic context (GRCh38, chr10:69,250,307, plus strand): 5'-AAGTCCCTGTCATGGAATGCAGCTGCTGCTTTCTCCATCACAGAGAAAGGAAAGTTTCTC[G>A]CCCTGGATCTTGGGGGAACCAACTTCCGGGTCCTCCTGGTGAAGATCAGAAGTGGACGGA-3'
Protein context (NP_079406.4, residues 520-540): PDGTEKGKFL[Ala530Thr]LDLGGTNFRV